The following is an entry in ClinVar:

ClinVar aggregate classification (germline): Likely benign. Review status: criteria provided, multiple submitters, no conflicts (2 of 4 stars). 2 submissions from 2 submitters: Likely benign (2). Last evaluated 2025-10-28.

Conditions:
Early-infantile DEE. Also called: Early infantile epileptic encephalopathy; Ohtahara syndrome; Early infantile epileptic encephalopathy with suppression bursts. Identifiers: Orphanet 1934, MedGen C0393706, MONDO:0800491.

Submissions (2):

Women's Health and Genetics/Laboratory Corporation of America, LabCorp
Classification: Likely benign. Last evaluated: 2025-10-28. Review status: criteria provided, single submitter. Criteria: LabCorp Variant Classification Summary - May 2015. Collection method: clinical testing. Allele origin: germline.
Comment: Variant summary: KCNQ2 c.1248-18_1248-17delTG alters a conserved nucleotide located at a position not widely known to affect splicing. Consensus agreement among computation tools predict no significant impact on normal splicing. However, these predictions have yet to be confirmed by functional studies. The variant was absent in 237254 control chromosomes. The available data on variant occurrences in the general population are insufficient to allow any conclusion about variant significance. To our knowledge, no occurrence of c.1248-18_1248-17delTG in individuals affected with KCNQ2-related conditions and no experimental evidence demonstrating its impact on protein function have been reported. ClinVar contains an entry for this variant (Variation ID: 1540554). Based on the evidence outlined above, the variant was classified as likely benign.

Labcorp Genetics (formerly Invitae), Labcorp
Classification: Likely benign for Early-infantile DEE. Last evaluated: 2025-01-28. Review status: criteria provided, single submitter. Criteria: Invitae Variant Classification Sherloc (09022015). Collection method: clinical testing. Allele origin: germline.

NM_172107.4(KCNQ2):c.1248-18_1248-17del

Gene: KCNQ2 (potassium voltage-gated channel subfamily Q member 2; minus strand). Cytogenetic location: 20q13.33.
Variant type: Microsatellite.
Coding change: c.1248-18_1248-17del on transcript NM_172107.4 (MANE Select); 18 bases into the intron before coding-DNA position 1248 through 17 bases into the intron before coding-DNA position 1248, 2 bases deleted (TG; older notation c.1248-18_1248-17delTG).
Molecular consequence: intron variant.
Genome position (GRCh38, 1-based): chr20:63,419,689-63,419,690, CA deleted on the plus strand (TG on the coding strand, the reverse complement: KCNQ2 is on the minus strand); deleting any 2 consecutive bases within chr20:63,419,689-63,419,692 gives the same sequence; the c. name uses the placement nearest the transcript's 3' end. VCF-style (leftmost placement, unchanged base first): chr20-63419688-GCA-G. GRCh37 (hg19) VCF-style: chr20-62051041-GCA-G.
Other names: c.1248-18_1248-17delTG (NM_172107.4); c.1217+4487_1217+4488del (NM_004518.6); c.1247+4487_1247+4488del (NM_172108.5, NM_172106.3, NM_001382235.1).
Identifiers: ClinVar variation 1540554 (VCV001540554.10), dbSNP rs2080407380, ClinGen allele CA1019280530.
Genomic context (GRCh38, chr20:63,419,688, plus strand): 5'-CCGGGGCAGCATCCACACAGGGGCCCTCTGCACGGGCTGCCTTTACTGGAAATGAGGAGA[GCA>G]CAGTTAGTCCTGGGCGCCGGCAACAGCACACGGCCGGGAGCAGGGAAACTGAGGCACTGC-3'